The following is an entry in ClinVar:

ClinVar aggregate classification (germline): Uncertain significance (1 of 4 stars; one submission).

Allele frequency attached by ClinVar (database versions not stated): gnomAD 0.00001; TOPMed 0.00001.
gnomAD v4.1: 15 of 1,612,342 alleles (0.00093%); highest among the groups gnomAD compares: African/African-American, 0.0013%; no homozygotes.

Submission:

Labcorp Genetics (formerly Invitae), Labcorp
Classification: Uncertain significance. Last evaluated: 2023-01-30. Review status: criteria provided, single submitter. Criteria: Invitae Variant Classification Sherloc (09022015). Collection method: clinical testing. Allele origin: germline.
Comment: In summary, the available evidence is currently insufficient to determine the role of this variant in disease. Therefore, it has been classified as a Variant of Uncertain Significance. Advanced modeling of protein sequence and biophysical properties (such as structural, functional, and spatial information, amino acid conservation, physicochemical variation, residue mobility, and thermodynamic stability) performed at Invitae indicates that this missense variant is not expected to disrupt PNLIP protein function. This variant has not been reported in the literature in individuals affected with PNLIP-related conditions. This variant is present in population databases (rs778815857, gnomAD 0.004%). This sequence change replaces serine, which is neutral and polar, with leucine, which is neutral and non-polar, at codon 135 of the PNLIP protein (p.Ser135Leu).

NM_000936.4(PNLIP):c.404C>T (p.Ser135Leu)

Gene: PNLIP (pancreatic lipase; plus strand). Cytogenetic location: 10q25.3.
Variant type: single nucleotide variant.
Coding change: c.404C>T on transcript NM_000936.4 (MANE Select); coding-DNA position 404, C replaced by T.
Protein change: p.Ser135Leu; replaces serine 135 with leucine.
Molecular consequence: missense variant.
Genome position (GRCh38, 1-based): chr10:116,551,177, C>T. VCF-style: chr10-116551177-C-T. GRCh37 (hg19) VCF-style: chr10-118310689-C-T.
Other names: short protein forms S135L.
Identifiers: ClinVar variation 2788047 (VCV002788047.1), dbSNP rs778815857, ClinGen allele CA5706460.